The following is an entry in ClinVar:

ClinVar aggregate classification (germline): Uncertain significance (1 of 4 stars; one submission).

Conditions:
Dilated cardiomyopathy 1O (CMD1O). Also called: CARDIOMYOPATHY, DILATED, WITH VENTRICULAR TACHYCARDIA. Identifiers: Orphanet 154, MedGen C1837839, MONDO:0012062, OMIM 608569.

Submission:

Labcorp Genetics (formerly Invitae), Labcorp
Classification: Uncertain significance for Dilated cardiomyopathy 1O. Last evaluated: 2023-06-05. Review status: criteria provided, single submitter. Criteria: Invitae Variant Classification Sherloc (09022015). Collection method: clinical testing. Allele origin: germline.
Comment: In summary, the available evidence is currently insufficient to determine the role of this variant in disease. Therefore, it has been classified as a Variant of Uncertain Significance. This variant has not been reported in the literature in individuals affected with ABCC9-related conditions. This variant is a gross deletion of the genomic region encompassing exon(s) 3 of the ABCC9 gene. This deletion is out-of-frame, and is expected to create a premature translational stop signal and result in an absent or disrupted protein product. However, the current clinical and genetic evidence is not sufficient to establish whether loss-of-function variants in ABCC9 cause disease.

NC_000012.11:g.(?_22078856)_(22079017_?)del

Gene: ABCC9 (ATP binding cassette subfamily C member 9; minus strand). Cytogenetic location: 12p12.1.
Variant type: Deletion.
Identifiers: ClinVar variation 1450818 (VCV001450818.5).